The following is an entry in ClinVar:

ClinVar aggregate classification (germline): Uncertain significance (0 of 4 stars; one submission).

Conditions:
Muenke syndrome (MNKES). Also called: MUENKE NONSYNDROMIC CORONAL CRANIOSYNOSTOSIS. Identifiers: Orphanet 53271, MedGen C1864436, MONDO:0011274, OMIM 602849.

Allele frequency attached by ClinVar (database versions not stated): gnomAD exomes 0.00001.
gnomAD v4.1: 8 of 1,552,804 alleles (0.00052%); highest among the groups gnomAD compares: Admixed American, 0.0019%; no homozygotes.

Submission:

Clinical Genomics Laboratory, Stanford Medicine
Classification: Uncertain significance for Muenke syndrome. Last evaluated: 2018-10-22. Review status: no assertion criteria provided. Collection method: clinical testing. Allele origin: germline. Inheritance: Autosomal dominant inheritance. Affected: yes.
Comment: The p.Arg173Cys variant in the FGFR3 gene has not been previously reported in association with disease. The p.Arg173Cys variant was absent from large population databases, including the Genome Aggregation Database. The Arg amino acid at position 173 is not evolutionarily conserved. These data were assessed using the ACMG/AMP variant interpretation guidelines. In summary, the significance of the p.Arg173Cys variant is uncertain. Additional information is needed to resolve the significance of this variant. [ACMG evidence codes used: PM2]

NM_000142.5(FGFR3):c.517C>T (p.Arg173Cys)

Gene: FGFR3 (fibroblast growth factor receptor 3; plus strand). Cytogenetic location: 4p16.3.
Variant type: single nucleotide variant.
Coding change: c.517C>T on transcript NM_000142.5 (MANE Select); coding-DNA position 517, C replaced by T.
Protein change: p.Arg173Cys; replaces arginine 173 with cysteine.
Molecular consequence: missense variant. On other transcripts: non-coding transcript variant (1).
Genome position (GRCh38, 1-based): chr4:1,801,438, C>T. VCF-style: chr4-1801438-C-T. GRCh37 (hg19) VCF-style: chr4-1803165-C-T.
Other names: c.517C>T, p.Arg173Cys (NM_001163213.2, NM_001354809.2, NM_001354810.2 and 1 more transcripts); short protein forms R173C.
Identifiers: ClinVar variation 975837 (VCV000975837.1), dbSNP rs1031160906, ClinGen allele CA91249159.